The following is an entry in ClinVar:

ClinVar aggregate classification (germline): Pathogenic. Review status: criteria provided, multiple submitters, no conflicts (2 of 4 stars). 3 submissions from 2 submitters: Pathogenic (3). Last evaluated 2023-09-17.

Conditions:
Osteogenesis imperfecta with normal sclerae, dominant form (OI4). Also called: Osteogenesis imperfecta type 4; OSTEOGENESIS IMPERFECTA WITH NORMAL SCLERAE; OSTEOGENESIS IMPERFECTA, TYPE IV, WITH DENTINOGENESIS IMPERFECTA; Osteogenesis Imperfecta Type IV; Common Variable Osteogenesis Imperfecta with Normal Sclerae. Identifiers: Orphanet 216820, Orphanet 666, MedGen C0268363, MONDO:0008148, OMIM 166220.
Osteogenesis imperfecta type I (OI1). Also called: Lobstein's Disease; Osteogenesis imperfecta type 1; OI, TYPE I; OSTEOGENESIS IMPERFECTA TARDA; OSTEOGENESIS IMPERFECTA WITH BLUE SCLERAE; Lobstein disease. Identifiers: Orphanet 216796, Orphanet 666, MedGen C0023931, MONDO:0008146, OMIM 166200. Disease mechanism: loss of function.
Osteopenia. Identifiers: MedGen C0029453, HP:0000938.
Blue sclerae. Also called: Blue sclera. Identifiers: MedGen C0542514, HP:0000592.
Increased susceptibility to fractures. Also called: Bone fragility. Identifiers: MedGen C1390474, HP:0002659.

Submissions (3):

Labcorp Genetics (formerly Invitae), Labcorp
Classification: Pathogenic for Osteogenesis imperfecta type I. Last evaluated: 2023-09-17. Review status: criteria provided, single submitter. Criteria: Invitae Variant Classification Sherloc (09022015). Collection method: clinical testing. Allele origin: germline.
Comment: For these reasons, this variant has been classified as Pathogenic. Algorithms developed to predict the effect of sequence changes on RNA splicing suggest that this variant may disrupt the consensus splice site. ClinVar contains an entry for this variant (Variation ID: 374149). Disruption of this splice site has been observed in individuals with osteogenesis imperfecta (PMID: 31447884; Invitae). This variant is not present in population databases (gnomAD no frequency). This sequence change affects a donor splice site in intron 11 of the COL1A1 gene. It is expected to disrupt RNA splicing. Variants that disrupt the donor or acceptor splice site typically lead to a loss of protein function (PMID: 16199547), and loss-of-function variants in COL1A1 are known to be pathogenic (PMID: 7942841, 9295084, 9443882).

Centre for Mendelian Genomics, University Medical Centre Ljubljana
Classification: Pathogenic for Osteogenesis imperfecta with normal sclerae, dominant form. Last evaluated: 2016-01-01. Review status: criteria provided, single submitter. Criteria: ACMG Guidelines, 2015. Collection method: clinical testing. Allele origin: unknown. Affected: yes.
Comment: This variant was classified as: Pathogenic.

Centre for Mendelian Genomics, University Medical Centre Ljubljana
Classification: Pathogenic for Blue sclerae; Increased susceptibility to fractures; Osteopenia. Last evaluated: 2015-01-05. Review status: criteria provided, single submitter. Criteria: ACMG Guidelines, 2015. Collection method: clinical testing. Allele origin: unknown. Affected: yes.

Literature cited by the submitters: PubMed 31447884 (cited by Labcorp Genetics (formerly Invitae), Labcorp); PubMed 16199547 (cited by Labcorp Genetics (formerly Invitae), Labcorp); PubMed 7942841 (cited by Labcorp Genetics (formerly Invitae), Labcorp); PubMed 9295084 (cited by Labcorp Genetics (formerly Invitae), Labcorp); PubMed 9443882 (cited by Labcorp Genetics (formerly Invitae), Labcorp).

NM_000088.4(COL1A1):c.804+1G>C

Genes: COL1A1 (collagen type I alpha 1 chain; minus strand), LOC126862586 (CDK7 strongly-dependent group 2 enhancer GRCh37_chr17:48273702-48274901; plus strand). Cytogenetic location: 17q21.33.
Variant type: single nucleotide variant.
Coding change: c.804+1G>C on transcript NM_000088.4 (MANE Select); the canonical splice donor site of the intron after coding-DNA position 804, G replaced by C.
Molecular consequence: splice donor variant.
Genome position (GRCh38, 1-based): chr17:50,197,009, C>G on the plus strand (G>C on the coding strand, the complement: COL1A1 is on the minus strand). VCF-style: chr17-50197009-C-G. GRCh37 (hg19) VCF-style: chr17-48274370-C-G.
Identifiers: ClinVar variation 374149 (VCV000374149.7), dbSNP rs1057518930, ClinGen allele CA16043534.